The following is an entry in ClinVar:

ClinVar aggregate classification (germline): Likely benign. Review status: criteria provided, multiple submitters, no conflicts (2 of 4 stars). 3 submissions from 3 submitters: Likely benign (3). Last evaluated 2025-04-14.

Conditions:
Hyperkalemic periodic paralysis. Also called: Familial hyperkalemic periodic paralysis; Gamstorp disease. Identifiers: Orphanet 682, MedGen C0238357, MONDO:0008224, OMIM 170500, HP:0007215.

Allele frequency attached by ClinVar (database versions not stated): gnomAD 0.00001; gnomAD exomes 0.00001 and 0.00003; ExAC 0.00004; 1000 Genomes Project 30x 0.00031; 1000 Genomes Project 0.00040.
gnomAD v4.1: 21 of 1,585,380 alleles (0.0013%); highest among the groups gnomAD compares: Admixed American, 0.0034%; no homozygotes.

Submissions (3):

Labcorp Genetics (formerly Invitae), Labcorp
Classification: Likely benign for Hyperkalemic periodic paralysis. Last evaluated: 2025-04-14. Review status: criteria provided, single submitter. Criteria: Invitae Variant Classification Sherloc (09022015). Collection method: clinical testing. Allele origin: germline.

Blueprint Genetics
Classification: Likely benign. Last evaluated: 2024-02-01. Review status: criteria provided, single submitter. Criteria: ACMG Guidelines, 2015. Collection method: clinical testing. Allele origin: germline.

GeneDx
Classification: Likely benign. Last evaluated: 2016-06-01. Review status: criteria provided, single submitter. Criteria: GeneDx Variant Classification (06012015). Collection method: clinical testing. Allele origin: germline. Affected: yes.
Comment: This variant is considered likely benign or benign based on one or more of the following criteria: it is a conservative change, it occurs at a poorly conserved position in the protein, it is predicted to be benign by multiple in silico algorithms, and/or has population frequency not consistent with disease.

NM_000334.4(SCN4A):c.1593C>T (p.Ser531=)

Gene: SCN4A (sodium voltage-gated channel alpha subunit 4; minus strand). Cytogenetic location: 17q23.3.
Variant type: single nucleotide variant.
Coding change: c.1593C>T on transcript NM_000334.4 (MANE Select); coding-DNA position 1593, C replaced by T.
Protein change: p.Ser531=; no amino-acid change (serine 531 retained).
Molecular consequence: synonymous variant.
Genome position (GRCh38, 1-based): chr17:63,963,685, G>A on the plus strand (C>T on the coding strand, the complement: SCN4A is on the minus strand). VCF-style: chr17-63963685-G-A. GRCh37 (hg19) VCF-style: chr17-62041045-G-A.
Identifiers: ClinVar variation 386248 (VCV000386248.10), dbSNP rs139988178, ClinGen allele CA8709799.